The following is an entry in ClinVar:

ClinVar aggregate classification (germline): Uncertain significance (1 of 4 stars; one submission).

Submission:

Labcorp Genetics (formerly Invitae), Labcorp
Classification: Uncertain significance. Last evaluated: 2021-05-03. Review status: criteria provided, single submitter. Criteria: Invitae Variant Classification Sherloc (09022015). Collection method: clinical testing. Allele origin: germline.
Comment: This sequence change replaces leucine with proline at codon 83 of the LYRM7 protein (p.Leu83Pro). The leucine residue is highly conserved and there is a moderate physicochemical difference between leucine and proline. This variant is not present in population databases (ExAC no frequency). This variant has not been reported in the literature in individuals with LYRM7-related conditions. Algorithms developed to predict the effect of missense changes on protein structure and function (SIFT, PolyPhen-2, Align-GVGD) all suggest that this variant is likely to be disruptive, but these predictions have not been confirmed by published functional studies and their clinical significance is uncertain. In summary, the available evidence is currently insufficient to determine the role of this variant in disease. Therefore, it has been classified as a Variant of Uncertain Significance.

NM_181705.4(LYRM7):c.248T>C (p.Leu83Pro)

Gene: LYRM7 (LYR motif containing 7; plus strand). Cytogenetic location: 5q23.3.
Variant type: single nucleotide variant.
Coding change: c.248T>C on transcript NM_181705.4 (MANE Select); coding-DNA position 248, T replaced by C.
Protein change: p.Leu83Pro; replaces leucine 83 with proline.
Molecular consequence: missense variant. On other transcripts: non-coding transcript variant (1).
Genome position (GRCh38, 1-based): chr5:131,199,534, T>C. VCF-style: chr5-131199534-T-C. GRCh37 (hg19) VCF-style: chr5-130535227-T-C.
Other names: c.166T>C, p.Trp56Arg (NM_001293735.2); short protein forms L83P, W56R.
Identifiers: ClinVar variation 1423568 (VCV001423568.8), dbSNP rs1756023835, ClinGen allele CA360837833.